The following is an entry in ClinVar:

NM_003873.7(NRP1):c.1924+16C>A

Gene: NRP1 (neuropilin 1; minus strand). Cytogenetic location: 10p11.22.
Variant type: single nucleotide variant.
Coding change: c.1924+16C>A on transcript NM_003873.7 (MANE Select); 16 bases into the intron after coding-DNA position 1924, C replaced by A.
Molecular consequence: intron variant. On other transcripts: 3 prime UTR variant (2).
Genome position (GRCh38, 1-based): chr10:33,197,634, G>T on the plus strand (C>A on the coding strand, the complement: NRP1 is on the minus strand). VCF-style: chr10-33197634-G-T. GRCh37 (hg19) VCF-style: chr10-33486562-G-T.
Other names: c.*5C>A (NM_001024628.3, NM_001024629.3); c.1903+16C>A (NM_001244973.2, NM_001244972.2); c.1924+16C>A (NM_001330068.2).
Identifiers: ClinVar variation 4997726 (VCV004997726.1).

ClinVar aggregate classification (germline): Uncertain significance (1 of 4 stars; one submission).

Conditions:
NRP1-related disorder. Also called: NRP1-related condition.

gnomAD v4.1: 2 of 1,586,940 alleles (0.00013%); highest among the groups gnomAD compares: South Asian, 0.0012%; no homozygotes.

Submission:

PreventionGenetics, part of Exact Sciences
Classification: Uncertain significance for NRP1-related condition. Last evaluated: 2024-10-10. Review status: criteria provided, single submitter. Criteria: ACMG Guidelines, 2015. Collection method: clinical testing. Allele origin: germline.
Comment: The NRP1 c.1924+16C>A variant is predicted to interfere with splicing. To our knowledge, this variant has not been reported in the literature. This variant is reported in 0.0036% of alleles in individuals of South Asian descent in gnomAD. However, the use of computer prediction programs is not equivalent to functional evidence, and therefore the clinical significance of this variant is uncertain.